The following is an entry in ClinVar:

ClinVar aggregate classification (germline): Uncertain significance. Review status: criteria provided, multiple submitters, no conflicts (2 of 4 stars). 2 submissions from 2 submitters: Uncertain significance (2). Last evaluated 2023-10-30.

Conditions:
Anterior segment dysgenesis 7 (ASGD7). Also called: Anterior segment dysgenesis 7, with sclerocornea; SCLEROCORNEA WITH OTHER OCULAR ANOMALIES. Identifiers: Orphanet 289499, MedGen C3151617, MONDO:0010015, OMIM 269400.
Inborn genetic diseases. Identifiers: MedGen C0950123, MeSH D030342.

Allele frequency attached by ClinVar (database versions not stated): 1000 Genomes Project 30x 0.00016; 1000 Genomes Project 0.00020.
gnomAD v4.1: 72 of 1,614,034 alleles (0.0045%); highest among the groups gnomAD compares: South Asian, 0.033%; no homozygotes.

Submissions (2):

Ambry Genetics
Classification: Uncertain significance for Inborn genetic diseases. Last evaluated: 2023-10-30. Review status: criteria provided, single submitter. Criteria: Ambry Variant Classification Scheme 2023. Collection method: clinical testing. Allele origin: germline.

Labcorp Genetics (formerly Invitae), Labcorp
Classification: Uncertain significance for Anterior segment dysgenesis 7. Last evaluated: 2022-03-12. Review status: criteria provided, single submitter. Criteria: Invitae Variant Classification Sherloc (09022015). Collection method: clinical testing. Allele origin: germline.
Comment: This sequence change replaces valine, which is neutral and non-polar, with isoleucine, which is neutral and non-polar, at codon 403 of the PXDN protein (p.Val403Ile). This variant is present in population databases (rs146093600, gnomAD 0.03%). This variant has not been reported in the literature in individuals affected with PXDN-related conditions. Algorithms developed to predict the effect of missense changes on protein structure and function output the following: SIFT: "Tolerated"; PolyPhen-2: "Benign"; Align-GVGD: "Class C0". The isoleucine amino acid residue is found in multiple mammalian species, which suggests that this missense change does not adversely affect protein function. In summary, the available evidence is currently insufficient to determine the role of this variant in disease. Therefore, it has been classified as a Variant of Uncertain Significance.

NM_012293.3(PXDN):c.1207G>A (p.Val403Ile)

Gene: PXDN (peroxidasin; minus strand). Cytogenetic location: 2p25.3.
Variant type: single nucleotide variant.
Coding change: c.1207G>A on transcript NM_012293.3 (MANE Select); coding-DNA position 1207, G replaced by A.
Protein change: p.Val403Ile; replaces valine 403 with isoleucine.
Molecular consequence: missense variant.
Genome position (GRCh38, 1-based): chr2:1,666,298, C>T on the plus strand (G>A on the coding strand, the complement: PXDN is on the minus strand). VCF-style: chr2-1666298-C-T. GRCh37 (hg19) VCF-style: chr2-1670070-C-T.
Other names: c.1207G>A (NM_012293.1); short protein forms V403I.
Identifiers: ClinVar variation 2083085 (VCV002083085.4), dbSNP rs146093600, ClinGen allele CA1513407.